The following is an entry in ClinVar:

NM_001126108.2(SLC12A3):c.994G>A (p.Asp332Asn)

Gene: SLC12A3 (solute carrier family 12 member 3; plus strand). Cytogenetic location: 16q13.
Variant type: single nucleotide variant.
Coding change: c.994G>A on transcript NM_001126108.2 (MANE Select); coding-DNA position 994, G replaced by A.
Protein change: p.Asp332Asn; replaces aspartic acid 332 with asparagine.
Molecular consequence: missense variant.
Genome position (GRCh38, 1-based): chr16:56,872,685, G>A. VCF-style: chr16-56872685-G-A. GRCh37 (hg19) VCF-style: chr16-56906597-G-A.
Other names: c.994G>A, p.Asp332Asn (NM_000339.3); c.991G>A, p.Asp331Asn (NM_001126107.2, NM_001410896.1); short protein forms D331N, D332N.
Identifiers: ClinVar variation 4532522 (VCV004532522.1).
Genomic context (GRCh38, chr16:56,872,685, plus strand): 5'-GAGCCTTACTCATCAGGCCTTGCTTTTCCAGCGGACATTTTTGTCCAGAACTTGGTGCCT[G>A]ACTGGCGGGGTCCAGATGGCACCTTCTTCGGAATGTTCTCCATCTTCTTCCCCTCGGCCA-3'
Protein context (NP_001119580.2, residues 322-342): ADIFVQNLVP[Asp332Asn]WRGPDGTFFG

ClinVar aggregate classification (germline): Uncertain significance (1 of 4 stars; one submission).

Submission:

GeneDx
Classification: Uncertain significance. Last evaluated: 2025-05-24. Review status: criteria provided, single submitter. Criteria: GeneDx Variant Classification Process June 2021. Collection method: clinical testing. Allele origin: germline. Affected: yes.
Comment: Not observed at significant frequency in large population cohorts (gnomAD); In silico analysis suggests that this missense variant does not alter protein structure/function; Has not been previously published as pathogenic or benign to our knowledge